The following is an entry in ClinVar:

ClinVar aggregate classification (germline): Uncertain significance (1 of 4 stars; one submission).

Conditions:
Very long chain acyl-CoA dehydrogenase deficiency (ACADVLD). Also called: Very Long-Chain Acyl-Coenzyme A Dehydrogenase Deficiency; VLCAD Deficiency. Identifiers: Orphanet 26793, MedGen C3887523, MONDO:0008723, OMIM 201475.

gnomAD v4.1: 3 of 1,614,022 alleles (0.00019%); highest among the groups gnomAD compares: East Asian, 0.0045%; no homozygotes.

Submission:

Wong Mito Lab, Molecular and Human Genetics, Baylor College of Medicine
Classification: Uncertain significance for Very long chain acyl-CoA dehydrogenase deficiency. Last evaluated: 2019-11-01. Review status: criteria provided, single submitter. Criteria: ACMG Guidelines, 2015. Collection method: clinical testing. Allele origin: germline.
Comment: The NM_000018.3:c.205-34A>G (NP_000009.1:p.?) [GRCH38: NC_000017.11:g.7220570A>G] variant in ACADVL gene is interpretated to be Uncertain Significance based on ACMG guidelines (PMID: 25741868). This variant has been reported. This variant dose not meet any evidence codes reported in the ACMG guidelines.

NM_000018.4(ACADVL):c.205-34A>G

Gene: ACADVL (acyl-CoA dehydrogenase very long chain; plus strand). Cytogenetic location: 17p13.1.
Variant type: single nucleotide variant.
Coding change: c.205-34A>G on transcript NM_000018.4 (MANE Select); 34 bases into the intron before coding-DNA position 205, A replaced by G.
Molecular consequence: intron variant.
Genome position (GRCh38, 1-based): chr17:7,220,570, A>G. VCF-style: chr17-7220570-A-G. GRCh37 (hg19) VCF-style: chr17-7123889-A-G.
Other names: c.274-34A>G (NM_001270447.2); c.-24-34A>G (NM_001270448.2); c.139-34A>G (NM_001033859.3).
Identifiers: ClinVar variation 932884 (VCV000932884.2), dbSNP rs770101303, ClinGen allele CA8337593.